The following is an entry in ClinVar:

NM_000059.4(BRCA2):c.9400G>A (p.Gly3134Ser)

Gene: BRCA2 (BRCA2 DNA repair associated; plus strand). Cytogenetic location: 13q13.1.
Variant type: single nucleotide variant.
Coding change: c.9400G>A on transcript NM_000059.4 (MANE Select); coding-DNA position 9400, G replaced by A.
Protein change: p.Gly3134Ser; replaces glycine 3134 with serine.
Molecular consequence: missense variant. On other transcripts: non-coding transcript variant (1).
Genome position (GRCh38, 1-based): chr13:32,394,832, G>A. VCF-style: chr13-32394832-G-A. GRCh37 (hg19) VCF-style: chr13-32968969-G-A.
Other names: c.9304G>A, p.Gly3102Ser (NM_001406719.1); c.9349G>A, p.Gly3117Ser (NM_001406720.1); c.4468G>A, p.Gly1490Ser (NM_001406721.1); c.2983G>A, p.Gly995Ser (NM_001406722.1); c.9400G>A, p.Gly3134Ser (NM_001432077.1); short protein forms G3134S, G995S, G3102S, G1490S, G3117S.
Identifiers: ClinVar variation 3482163 (VCV003482163.1).

ClinVar aggregate classification (germline): Uncertain significance (1 of 4 stars; one submission).

Conditions:
Hereditary cancer-predisposing syndrome. Also called: Tumor predisposition; Neoplastic Syndromes, Hereditary; Hereditary Cancer Syndrome; Hereditary neoplastic syndrome. Identifiers: Orphanet 140162, MedGen C0027672, MeSH D009386, MONDO:0015356.

Submission:

Ambry Genetics
Classification: Uncertain significance for Hereditary cancer-predisposing syndrome. Last evaluated: 2024-11-19. Review status: criteria provided, single submitter. Criteria: Ambry Variant Classification Scheme 2023. Collection method: clinical testing. Allele origin: germline.
Comment: The p.G3134S variant (also known as c.9400G>A), located in coding exon 24 of the BRCA2 gene, results from a G to A substitution at nucleotide position 9400. The glycine at codon 3134 is replaced by serine, an amino acid with similar properties. In one study, this variant was reported in 0/60,466 breast cancer cases and in 1/53,461 controls (Dorling et al. N Engl J Med 2021 02;384:428-439). This amino acid position is not well conserved in available vertebrate species. In addition, the in silico prediction for this alteration is inconclusive. Based on the available evidence, the clinical significance of this variant remains unclear.

Literature cited by the submitters: PubMed 33471991.